The following is an entry in ClinVar:

NM_015559.3(SETBP1):c.1865_1873dup (p.Lys624_Arg625insGlnArgLys)

Gene: SETBP1 (SET binding protein 1; plus strand). Cytogenetic location: 18q12.3.
Variant type: Duplication.
Coding change: c.1865_1873dup on transcript NM_015559.3 (MANE Select); coding-DNA positions 1865 to 1873, 9 bases duplicated (AAAGAAAGC; older notation c.1865_1873dupAAAGAAAGC).
Protein change: p.Lys624_Arg625insGlnArgLys.
Genome position (GRCh38, 1-based): chr18:44,951,205-44,951,213, AAAGAAAGC duplicated. VCF-style (leftmost placement, unchanged base first): chr18-44951204-A-AAAAGAAAGC. GRCh37 (hg19) VCF-style: chr18-42531169-A-AAAAGAAAGC.
Other names: c.1865_1873dup, p.Lys624_Arg625insGlnArgLys (NM_001379141.1, NM_001379142.1, NM_001410862.1).
Identifiers: ClinVar variation 3364499 (VCV003364499.1).

ClinVar aggregate classification (germline): Uncertain significance (1 of 4 stars; one submission).

Submission:

GeneDx
Classification: Uncertain significance. Last evaluated: 2023-11-20. Review status: criteria provided, single submitter. Criteria: GeneDx Variant Classification Process June 2021. Collection method: clinical testing. Allele origin: germline. Affected: yes.
Comment: Not observed at significant frequency in large population cohorts (gnomAD); In-frame insertion of 3 amino acids in a non-repeat region; Has not been previously published as pathogenic or benign to our knowledge